The following is an entry in ClinVar:

NM_000179.3(MSH6):c.1072G>A (p.Asp358Asn)

Gene: MSH6 (mutS homolog 6; plus strand). Cytogenetic location: 2p16.3.
Variant type: single nucleotide variant.
Coding change: c.1072G>A on transcript NM_000179.3 (MANE Select); coding-DNA position 1072, G replaced by A.
Protein change: p.Asp358Asn; replaces aspartic acid 358 with asparagine.
Molecular consequence: missense variant.
Genome position (GRCh38, 1-based): chr2:47,799,055, G>A. VCF-style: chr2-47799055-G-A. GRCh37 (hg19) VCF-style: chr2-48026194-G-A.
Other names: c.682G>A, p.Asp228Asn (NM_001281492.2); c.166G>A, p.Asp56Asn (NM_001281493.2, NM_001281494.2); short protein forms D228N, D358N, D56N.
Identifiers: ClinVar variation 830251 (VCV000830251.7), dbSNP rs772747395, ClinGen allele CA346741693.
Genomic context (GRCh38, chr2:47,799,055, plus strand): 5'-AGAGCTTTCTCTGCCCCTCAAAATTCTGAATCCCAAGCCCACGTTAGTGGAGGTGGTGAT[G>A]ACAGTAGTCGCCCTACTGTTTGGTATCATGAAACTTTAGAATGGCTTAAGGAGGAAAAGA-3'
Protein context (NP_000170.1, residues 348-368): SQAHVSGGGD[Asp358Asn]SSRPTVWYHE

ClinVar aggregate classification (germline): Conflicting classifications of pathogenicity. Review status: criteria provided, conflicting classifications (1 of 4 stars). 3 submissions from 3 submitters: Uncertain significance (2); Likely benign (1). Last evaluated 2026-08-19.

Conditions:
Hereditary nonpolyposis colorectal neoplasms. Identifiers: MedGen C0009405, MeSH D003123.
Hereditary breast ovarian cancer syndrome. Also called: Hereditary breast and ovarian cancer; Hereditary breast and ovarian cancer syndrome (HBOC); Hereditary breast and/or ovarian cancer syndrome; Hereditary breast and ovarian cancer syndrome; Breast and ovarian cancer; BRCA1- and BRCA2-Associated Hereditary Breast and Ovarian Cancer. Identifiers: Orphanet 145, MedGen C0677776, MeSH D061325, MONDO:0003582. Disease mechanism: loss of function.
Hereditary cancer-predisposing syndrome. Also called: Tumor predisposition; Hereditary neoplastic syndrome; Neoplastic Syndromes, Hereditary; Hereditary Cancer Syndrome. Identifiers: Orphanet 140162, MedGen C0027672, MeSH D009386, MONDO:0015356.

Submissions (3):

Ambry Genetics
Classification: Likely benign for Hereditary cancer-predisposing syndrome. Last evaluated: 2026-08-19. Review status: criteria provided, single submitter. Criteria: Ambry Variant Classification Scheme 2023. Collection method: clinical testing. Allele origin: germline.

Labcorp Genetics (formerly Invitae), Labcorp
Classification: Uncertain significance for Hereditary nonpolyposis colorectal neoplasms. Last evaluated: 2024-05-28. Review status: criteria provided, single submitter. Criteria: Invitae Variant Classification Sherloc (09022015). Collection method: clinical testing. Allele origin: germline.
Comment: This sequence change replaces aspartic acid, which is acidic and polar, with asparagine, which is neutral and polar, at codon 358 of the MSH6 protein (p.Asp358Asn). This variant is not present in population databases (gnomAD no frequency). This variant has not been reported in the literature in individuals affected with MSH6-related conditions. ClinVar contains an entry for this variant (Variation ID: 830251). Advanced modeling of protein sequence and biophysical properties (such as structural, functional, and spatial information, amino acid conservation, physicochemical variation, residue mobility, and thermodynamic stability) performed at Invitae indicates that this missense variant is not expected to disrupt MSH6 protein function with a negative predictive value of 95%. In summary, the available evidence is currently insufficient to determine the role of this variant in disease. Therefore, it has been classified as a Variant of Uncertain Significance.

Cancer Genomics Group, Japanese Foundation For Cancer Research
Classification: Uncertain significance for Hereditary breast and ovarian cancer syndrome. Last evaluated: 2019-05-01. Review status: criteria provided, single submitter. Criteria: ACMG Guidelines, 2015. Collection method: research. Allele origin: germline. Affected: yes.